The following is an entry in ClinVar:

ClinVar aggregate classification (germline): Uncertain significance (1 of 4 stars; one submission).

Allele frequency attached by ClinVar (database versions not stated): gnomAD 0.00001; ExAC 0.00002; TOPMed 0.00002; gnomAD exomes 0.00006.
gnomAD v4.1: 37 of 1,613,548 alleles (0.0023%); highest among the groups gnomAD compares: East Asian, 0.069%; no homozygotes.

Submission:

Ambry Genetics
Classification: Uncertain significance. Last evaluated: 2023-11-02. Review status: criteria provided, single submitter. Criteria: Ambry Variant Classification Scheme 2023. Collection method: clinical testing. Allele origin: germline.
Comment: The p.E549K variant (also known as c.1645G>A), located in coding exon 9 of the PALLD gene, results from a G to A substitution at nucleotide position 1645. The glutamic acid at codon 549 is replaced by lysine, an amino acid with similar properties. This amino acid position is conserved. In addition, this alteration is predicted to be tolerated by in silico analysis. Since supporting evidence is limited at this time, the clinical significance of this alteration remains unclear.

NM_001166108.2(PALLD):c.1645G>A (p.Glu549Lys)

Gene: PALLD (palladin, cytoskeletal associated protein; plus strand). Cytogenetic location: 4q32.3.
Variant type: single nucleotide variant.
Coding change: c.1645G>A on transcript NM_001166108.2 (MANE Select); coding-DNA position 1645, G replaced by A.
Protein change: p.Glu549Lys; replaces glutamic acid 549 with lysine.
Molecular consequence: missense variant.
Genome position (GRCh38, 1-based): chr4:168,711,604, G>A. VCF-style: chr4-168711604-G-A. GRCh37 (hg19) VCF-style: chr4-169632755-G-A.
Other names: c.499G>A, p.Glu167Lys (NM_001166109.2); c.1645G>A, p.Glu549Lys (NM_016081.4); short protein forms E549K, E167K.
Identifiers: ClinVar variation 1777142 (VCV001777142.2), dbSNP rs766982657, ClinGen allele CA3135706.
Genomic context (GRCh38, chr4:168,711,604, plus strand): 5'-ATCTTCTTATGTTTTTCCTCTCTTTCCCCTTCCTTAGCCAACACTGAAAACTGTAGTTAC[G>A]AGTCAATGGGAGAATCCAACAATGACCACTTCCAACACTTTCCACCTCCCCCTCCAATCT-3'
Protein context (NP_001159580.1, residues 539-559): TSANTENCSY[Glu549Lys]SMGESNNDHF